The following is an entry in ClinVar:

ClinVar aggregate classification (germline): Pathogenic (1 of 4 stars; one submission).

Conditions:
Mucopolysaccharidosis, MPS-III-C (MPS3C). Also called: SANFILIPPO SYNDROME C; MPS III C; MUCOPOLYSACCHARIDOSIS, TYPE IIIC; Mucopolysaccharidosis type IIIC (Sanfilippo C); mucopolysaccharidosis type 3C; MPS IIIC (Sanfilippo Syndrome Type C). Identifiers: Orphanet 581, Orphanet 79271, MedGen C0086649, MONDO:0009657, OMIM 252930.

Submission:

Myriad Genetics, Inc.
Classification: Pathogenic for Mucopolysaccharidosis, MPS-III-C. Last evaluated: 2023-08-19. Review status: criteria provided, single submitter. Criteria: Myriad Autosomal Dominant, Autosomal Recessive and X-Linked Classification Criteria (2023). Collection method: clinical testing. Allele origin: unknown.
Comment: NM_152419.2(HGSNAT):c.91delC(R31Afs*11) is expected to be pathogenic in the context of mucopolysaccharidosis type IIIC. This variant is predicted to lead to an abnormal or absent protein product due to the creation of a premature termination codon in HGSNAT, a gene where loss-of-function variants are known to be pathogenic. Please note: this variant was assessed in the context of healthy population screening.

NM_152419.3(HGSNAT):c.91del (p.Arg31fs)

Genes: HGSNAT (heparan-alpha-glucosaminide N-acetyltransferase; plus strand), LOC130000316 (ATAC-STARR-seq lymphoblastoid silent region 19164; plus strand). Cytogenetic location: 8p11.21.
Variant type: Deletion.
Coding change: c.91del on transcript NM_152419.3 (MANE Select); coding-DNA position 91, one base deleted (C; older notation c.91delC).
Protein change: p.Arg31fs; shifts the reading frame from arginine 31.
Molecular consequence: frameshift variant. On other transcripts: 5 prime UTR variant (1).
Genome position (GRCh38, 1-based): chr8:43,140,587, C deleted. VCF-style (leftmost placement, unchanged base first): chr8-43140586-GC-G. GRCh37 (hg19) VCF-style: chr8-42995729-GC-G.
Other names: c.91del, p.Arg31fs (NM_001363227.2, NM_001363228.2); c.-743del (NM_001363229.2); short protein forms R31fs.
Identifiers: ClinVar variation 5011394 (VCV005011394.1).